The following is an entry in ClinVar:

NM_000937.5(POLR2A):c.4929T>C (p.Tyr1643=)

Gene: POLR2A (RNA polymerase II subunit A; plus strand). Cytogenetic location: 17p13.1.
Variant type: single nucleotide variant.
Coding change: c.4929T>C on transcript NM_000937.5 (MANE Select); coding-DNA position 4929, T replaced by C.
Protein change: p.Tyr1643=; no amino-acid change (tyrosine 1643 retained).
Molecular consequence: synonymous variant.
Genome position (GRCh38, 1-based): chr17:7,513,193, T>C. VCF-style: chr17-7513193-T-C. GRCh37 (hg19) VCF-style: chr17-7416512-T-C.
Identifiers: ClinVar variation 2647357 (VCV002647357.24), dbSNP rs201161712, ClinGen allele CA287430862.

ClinVar aggregate classification (germline): Likely benign (1 of 4 stars; one submission).

Allele frequency attached by ClinVar (database versions not stated): gnomAD exomes below 0.00001; 1000 Genomes Project 0.00040.

Submission:

CeGaT Center for Human Genetics Tuebingen
Classification: Likely benign. Last evaluated: 2024-02-01. Review status: criteria provided, single submitter. Criteria: CeGaT Center For Human Genetics Tuebingen Variant Classification Criteria Version 2. Collection method: clinical testing. Allele origin: germline. Affected: yes. Observed: 2 variant alleles.
Comment: POLR2A: BP4, BP7